The following is an entry in ClinVar:

NM_000132.4(F8):c.6506G>A (p.Arg2169His)

Gene: F8 (coagulation factor VIII; minus strand). Cytogenetic location: Xq28.
Variant type: single nucleotide variant.
Coding change: c.6506G>A on transcript NM_000132.4 (MANE Select); coding-DNA position 6506, G replaced by A.
Protein change: p.Arg2169His; replaces arginine 2169 with histidine.
Molecular consequence: missense variant.
Genome position (GRCh38, 1-based): chrX:154,863,151, C>T on the plus strand (G>A on the coding strand, the complement: F8 is on the minus strand). VCF-style: chrX-154863151-C-T. GRCh37 (hg19) VCF-style: chrX-154091426-C-T.
Other names: F8, ARG2169HIS; c.101G>A, p.Arg34His (NM_019863.3); short protein forms R2169H, R34H.
Identifiers: ClinVar variation 10315 (VCV000010315.39), dbSNP rs137852461, ClinGen allele CA255208.

ClinVar aggregate classification (germline): Pathogenic. Review status: criteria provided, multiple submitters, no conflicts (2 of 4 stars). 14 submissions from 14 submitters: Pathogenic (11). 3 of the submissions do not count toward it. Last evaluated 2026-01-07.

Conditions:
F8-related disorders.
Hereditary factor VIII deficiency disease (HEMA). Also called: AUTOSOMAL HEMOPHILIA A; Hemophilia A, congenital; HEM A; Factor 8 deficiency, congenital; Hemophilia A; HEMOPHILIA, CLASSIC. Identifiers: Orphanet 98878, MedGen C0019069, MONDO:0010602, OMIM 306700.
Thrombophilia, X-linked, due to factor 8 defect. Also called: THROMBOPHILIA, X-LINKED, DUE TO FACTOR VIII DEFECT; Thrombophilia 13, X-linked, due to factor VIII defect. Identifiers: MedGen C5676879, MONDO:0859082, OMIM 301071.
F8-related disorder. Also called: F8-related condition.
Hereditary factor IX deficiency disease (HEMB). Also called: F9 DEFICIENCY; FACTOR IX DEFICIENCY; PLASMA THROMBOPLASTIN COMPONENT DEFICIENCY; Hemophilia B; Christmas Disease. Identifiers: Orphanet 98879, MedGen C0008533, MeSH D002836, MONDO:0010604, OMIM 306900.

Allele frequency attached by ClinVar (database versions not stated): gnomAD exomes below 0.00001; ExAC 0.00001.
gnomAD v4.1: 4 of 1,208,873 alleles (0.00033%); highest among the groups gnomAD compares: Non-Finnish European, 0.00045%; no homozygotes.

Submissions (14):

PreventionGenetics, part of Exact Sciences
Classification: Pathogenic for F8-related condition. Last evaluated: 2026-01-07. Review status: criteria provided, single submitter. Criteria: ACMG Guidelines, 2015. Collection method: clinical testing. Allele origin: germline.
Comment: The F8 c.6506G>A variant is predicted to result in the amino acid substitution p.Arg2169His. This variant is alternatively referred to as p.Arg2150His using legacy nomenclature. This variant has been frequently reported to be causative for mild to moderate hemophilia A (see examples: Higuchi et al. 1991. PubMed ID: 1908096; van den Biggelaar et al. 2011. PubMed ID: 21909383; Markoff et al. 2009. PubMed ID: 19473423). This variant has not been reported in a large population database (gnomAD), indicating this variant is rare. This variant is interpreted as pathogenic.

CeGaT Center for Human Genetics Tuebingen
Classification: Pathogenic. Last evaluated: 2025-12-01. Review status: criteria provided, single submitter. Criteria: CeGaT Center For Human Genetics Tuebingen Variant Classification Criteria Version 2. Collection method: clinical testing. Allele origin: germline. Affected: yes. Observed: 1 variant allele.
Comment: F8: PS4, PM1, PM2, PM5

Women's Health and Genetics/Laboratory Corporation of America, LabCorp
Classification: Pathogenic for Hereditary factor VIII deficiency disease. Last evaluated: 2025-10-23. Review status: criteria provided, single submitter. Criteria: LabCorp Variant Classification Summary - May 2015. Collection method: clinical testing. Allele origin: germline.
Comment: Variant summary: F8 c.6506G>A (p.Arg2169His) results in a non-conservative amino acid change in the encoded protein sequence. Algorithms developed to predict the effect of missense changes on protein structure and function all suggest that this variant is likely to be disruptive. The variant was absent in 183385 control chromosomes. c.6506G>A has been observed in multiple individuals affected with Factor VIII Deficiency (Hemophilia A) (e.g., Stoof_2013, Kang_2021, Grigore_2024). These data indicate that the variant is very likely to be associated with disease. A different variant affecting the same codon has been classified as pathogenic by our lab (c.6505C>T, p.Arg2169Cys), supporting the critical relevance of codon 2169 to F8 protein function. At least one publication reports experimental evidence evaluating an impact on protein function (Kang_2021). The most pronounced variant effect results in 17% of normal activity. The following publications have been ascertained in the context of this evaluation (PMID: 32897612, 23348756, 39125936). ClinVar contains an entry for this variant (Variation ID: 10315). Based on the evidence outlined above, the variant was classified as pathogenic.

ARUP Laboratories, Molecular Genetics and Genomics, ARUP Laboratories
Classification: Pathogenic. Last evaluated: 2025-04-11. Review status: criteria provided, single submitter. Criteria: ARUP Molecular Germline Variant Investigation Process 2024. Collection method: clinical testing. Allele origin: germline.
Comment: The F8 c.6506G>A; p.Arg2169His variant (rs137852461), also known as Arg2150His, is reported in the literature in individuals with mild to moderate hemophilia A (see F8 database and references therein, Bogdanova 2007, Diamond 1992, Green 2008, Higuchi 1991, Suzuki 2018). This variant is reported in ClinVar (Variation ID: 10315) and is absent the Genome Aggregation Database (v2.1.1), indicating it is not a common polymorphism. Computational analyses predict that this variant is deleterious (REVEL: 0.964). Based on available information, this variant is considered to be pathogenic. References: Link to F8 database: Bogdanova N et al. Spectrum of molecular defects and mutation detection rate in patients with mild and moderate hemophilia A. Hum Mutat. 2007 Jan;28(1):54-60. PMID: 16972227. Diamond C et al. Amino acid substitutions in conserved domains of factor VIII and related proteins: study of patients with mild and moderately severe hemophilia A. Hum Mutat. 1992;1(3):248-57. PMID: 1301932. Green PM et al. Haemophilia A mutations in the UK: results of screening one-third of the population. Br J Haematol. 2008 Oct;143(1):115-28. PMID: 18691168. Higuchi M et al. Molecular characterization of severe hemophilia A suggests that about half the mutations are not within the coding regions and splice junctions of the factor VIII gene. Proc Natl Acad Sci U S A. 1991 Aug 15;88(16):7405-9. PMID: 1908096. Suzuki et al. Combined deficiency of factors V and VIII by chance coinheritance of parahaemophilia and haemophilia A, but not by mutations of either LMAN1 or MCFD2, in a Japanese family. Haemophilia. 2018 Jan;24(1):e13-e16. PMID: 29082580.

Fulgent Genetics
Classification: Pathogenic for Thrombophilia, X-linked, due to factor 8 defect; Hereditary factor VIII deficiency disease. Last evaluated: 2024-05-03. Review status: criteria provided, single submitter. Criteria: ACMG Guidelines, 2015. Collection method: clinical testing. Allele origin: germline.

GeneDx
Classification: Pathogenic. Last evaluated: 2023-06-20. Review status: criteria provided, single submitter. Criteria: GeneDx Variant Classification Process June 2021. Collection method: clinical testing. Allele origin: germline. Affected: yes.
Comment: Published functional studies demonstrate a reduction of factor VIII levels and activity in addition to impaired binding to VWF (Jacquemin et al., 2000; van den Biggelarr et al., 2011); Not observed at significant frequency in large population cohorts (gnomAD); In silico analysis supports that this missense variant has a deleterious effect on protein structure/function; Also known as p.(R2150H); This variant is associated with the following publications: (PMID: 19473423, 34708896, 35014236, 18691168, 32589464, 21883705, 16972227, 20800587, 19719828, 18387975, 1908096, 29082580, 30046696, 31064749, 18565236, 17610549, 17445092, 17222201, 16769589, 16173970, 12871415, 11857744, 11442643, 11341489, 10910910, 10896236, 10404764, 10338101, 1301932, 33245802, 33706050, 32897612, 15921397, 21909383)

Blueprint Genetics
Classification: Pathogenic for F8-related disorders. Last evaluated: 2022-04-28. Review status: criteria provided, single submitter. Criteria: ACMG Guidelines, 2015. Collection method: clinical testing. Allele origin: germline. Affected: yes. Observed: 1 variant allele.

Genetics and Molecular Pathology, SA Pathology
Classification: Pathogenic for Hereditary factor VIII deficiency disease. Last evaluated: 2021-05-14. Review status: criteria provided, single submitter. Criteria: ACMG Guidelines, 2015. Collection method: clinical testing. Allele origin: germline. Inheritance: X-linked recessive inheritance. Affected: yes.

Revvity Omics, Revvity
Classification: Pathogenic. Last evaluated: 2019-09-27. Review status: criteria provided, single submitter. Criteria: ACMG Guidelines, 2015. Collection method: clinical testing. Allele origin: germline.

NIHR Bioresource Rare Diseases, University of Cambridge
Classification: Pathogenic for Hereditary factor IX deficiency disease. Last evaluated: 2019-02-01. Review status: criteria provided, single submitter. Criteria: ACMG Guidelines, 2015. Collection method: research. Allele origin: unknown. Affected: yes. Observed: 1 hemizygote. Study: ThromboGenomics.

Juno Genomics, Hangzhou Juno Genomics, Inc
Classification: Pathogenic for Hereditary factor VIII deficiency disease. Review status: criteria provided, single submitter. Criteria: ACMG Guidelines, 2015. Collection method: clinical testing. Allele origin: germline. Affected: yes.
Comment: Absent from controls (or at extremely low frequency if recessive) in Genome Aggregation Database, Exome Sequencing Project, 1000 Genomes Project, or Exome Aggregation Consortium.;The prevalence of the variant in affected individuals is significantly increased compared to the prevalence in controls.;Patient's phenotype or family history is highly specific for a disease with a single genetic etiology.;Multiple lines of computational evidence support a deleterious effect on the gene or gene product (conservation, evolutionary, splicing impact, etc).

Angelo Bianchi Bonomi Hemophilia and Thrombosis Center, Fondazione IRCCS Ca Granda Ospedale Maggiore Policlinico
Classification: Pathogenic for Hereditary factor VIII deficiency disease. Last evaluated: 2019-06-01. Review status: no assertion criteria provided. Collection method: clinical testing. Allele origin: germline. Affected: yes. Observed: 1 variant allele. Not counted in ClinVar's aggregate classification.

OMIM
Classification: Pathogenic for HEMOPHILIA A. Last evaluated: 1995-01-01. Review status: no assertion criteria provided. Collection method: literature only. Allele origin: germline. Not counted in ClinVar's aggregate classification.

Genomic Medicine Center of Excellence, King Faisal Specialist Hospital and Research Centre
Classification: Uncertain significance for Hereditary factor VIII deficiency disease. Last evaluated: 2025-09-10. Review status: flagged submission. Criteria: ACMG Guidelines, 2015. Collection method: clinical testing. Allele origin: germline. Not counted in ClinVar's aggregate classification.
ClinVar note: Reason: Outlier claim with insufficient supporting evidence

Literature cited by the submitters: PubMed 32897612 (cited by Women's Health and Genetics/Laboratory Corporation of America, LabCorp); PubMed 39125936 (cited by Women's Health and Genetics/Laboratory Corporation of America, LabCorp); PubMed 23348756 (cited by Women's Health and Genetics/Laboratory Corporation of America, LabCorp).